The following is an entry in ClinVar:

ClinVar aggregate classification (germline): Uncertain significance (1 of 4 stars; one submission).

Submission:

Labcorp Genetics (formerly Invitae), Labcorp
Classification: Uncertain significance. Last evaluated: 2022-07-08. Review status: criteria provided, single submitter. Criteria: Invitae Variant Classification Sherloc (09022015). Collection method: clinical testing. Allele origin: germline.
Comment: In summary, the available evidence is currently insufficient to determine the role of this variant in disease. Therefore, it has been classified as a Variant of Uncertain Significance. Algorithms developed to predict the effect of missense changes on protein structure and function (SIFT, PolyPhen-2, Align-GVGD) all suggest that this variant is likely to be disruptive. This variant has not been reported in the literature in individuals affected with TNNI3K-related conditions. This variant is not present in population databases (gnomAD no frequency). This sequence change replaces glutamine, which is neutral and polar, with glutamic acid, which is acidic and polar, at codon 523 of the TNNI3K protein (p.Gln523Glu).

NM_015978.3(TNNI3K):c.1567C>G (p.Gln523Glu)

Genes: FPGT-TNNI3K (FPGT-TNNI3K readthrough; plus strand), TNNI3K (TNNI3 interacting kinase; plus strand). Cytogenetic location: 1p31.1.
Variant type: single nucleotide variant.
Coding change: c.1567C>G on transcript NM_015978.3 (MANE Select); coding-DNA position 1567, C replaced by G.
Protein change: p.Gln523Glu; replaces glutamine 523 with glutamic acid.
Molecular consequence: missense variant.
Genome position (GRCh38, 1-based): chr1:74,369,485, C>G. VCF-style: chr1-74369485-C-G. GRCh37 (hg19) VCF-style: chr1-74835169-C-G.
Other names: c.1870C>G, p.Gln624Glu (NM_001112808.3, NM_001199327.2); short protein forms Q523E, Q624E.
Identifiers: ClinVar variation 2014970 (VCV002014970.4), dbSNP rs2524471000, ClinGen allele CA340786252.